The following is an entry in ClinVar:

NM_000390.4(CHM):c.924T>A (p.Tyr308Ter)

Gene: CHM (CHM Rab escort protein; minus strand). Cytogenetic location: Xq21.2.
Variant type: single nucleotide variant.
Coding change: c.924T>A on transcript NM_000390.4 (MANE Select); coding-DNA position 924, T replaced by A.
Protein change: p.Tyr308Ter; replaces tyrosine 308 with a stop codon.
Molecular consequence: nonsense.
Genome position (GRCh38, 1-based): chrX:85,957,871, A>T on the plus strand (T>A on the coding strand, the complement: CHM is on the minus strand). VCF-style: chrX-85957871-A-T. GRCh37 (hg19) VCF-style: chrX-85212876-A-T.
Other names: c.480T>A, p.Tyr160Ter (NM_001320959.1, NM_001362517.1, NM_001362518.2 and 1 more transcripts); short protein forms Y308*, Y160*.
Identifiers: ClinVar variation 4713402 (VCV004713402.1).

ClinVar aggregate classification (germline): Pathogenic (1 of 4 stars; one submission).

Submission:

Labcorp Genetics (formerly Invitae), Labcorp
Classification: Pathogenic. Last evaluated: 2025-03-18. Review status: criteria provided, single submitter. Criteria: Invitae Variant Classification Sherloc (09022015). Collection method: clinical testing. Allele origin: germline.
Comment: This sequence change creates a premature translational stop signal (p.Tyr308*) in the CHM gene. It is expected to result in an absent or disrupted protein product. Loss-of-function variants in CHM are known to be pathogenic (PMID: 9067750, 23811034). This variant is not present in population databases (gnomAD no frequency). This premature translational stop signal has been observed in individual(s) with choroideremia (PMID: 12827496). Algorithms developed to predict the effect of sequence changes on RNA splicing suggest that this variant may disrupt the consensus splice site. For these reasons, this variant has been classified as Pathogenic.

Literature cited by the submitters: PubMed 9067750; PubMed 23811034; PubMed 12827496.